The following is an entry in ClinVar:

NM_020822.3(KCNT1):c.251A>G (p.Asp84Gly)

Gene: KCNT1 (potassium sodium-activated channel subfamily T member 1; plus strand). Cytogenetic location: 9q34.3.
Variant type: single nucleotide variant.
Coding change: c.251A>G on transcript NM_020822.3 (MANE Select); coding-DNA position 251, A replaced by G.
Protein change: p.Asp84Gly; replaces aspartic acid 84 with glycine.
Molecular consequence: missense variant. On other transcripts: intron variant (1).
Genome position (GRCh38, 1-based): chr9:135,714,717, A>G. VCF-style: chr9-135714717-A-G. GRCh37 (hg19) VCF-style: chr9-138606563-A-G.
Other names: c.110+12349A>G (NM_001272003.2); short protein forms D84G.
Identifiers: ClinVar variation 2928783 (VCV002928783.3), dbSNP rs1399231853, ClinGen allele CA375493475.

ClinVar aggregate classification (germline): Uncertain significance (1 of 4 stars; one submission).

Conditions:
Autosomal dominant nocturnal frontal lobe epilepsy 5. Also called: KCNT1-Related Epilepsy; CILIARY DYSKINESIA, PRIMARY, 28, WITH SITUS INVERSUS; CILIARY DYSKINESIA, PRIMARY, 28, WITHOUT SITUS INVERSUS; Epilepsy, nocturnal frontal lobe, 5. Identifiers: Orphanet 98784, MedGen C3554306, MONDO:0014002, OMIM 615005.
Developmental and epileptic encephalopathy, 14 (DEE14). Also called: Early infantile epileptic encephalopathy 14. Identifiers: Orphanet 293181, MedGen C3554195, MONDO:0013989, OMIM 614959.

Allele frequency attached by ClinVar (database versions not stated): gnomAD exomes below 0.00001; TOPMed below 0.00001.
gnomAD v4.1: 5 of 1,408,426 alleles (0.00036%); highest among the groups gnomAD compares: Non-Finnish European, 0.00047%; no homozygotes.

Submission:

Labcorp Genetics (formerly Invitae), Labcorp
Classification: Uncertain significance for Autosomal dominant nocturnal frontal lobe epilepsy 5; Developmental and epileptic encephalopathy, 14. Last evaluated: 2023-10-04. Review status: criteria provided, single submitter. Criteria: Invitae Variant Classification Sherloc (09022015). Collection method: clinical testing. Allele origin: germline.
Comment: This sequence change replaces aspartic acid, which is acidic and polar, with glycine, which is neutral and non-polar, at codon 84 of the KCNT1 protein (p.Asp84Gly). This variant is not present in population databases (gnomAD no frequency). This variant has not been reported in the literature in individuals affected with KCNT1-related conditions. Advanced modeling of protein sequence and biophysical properties (such as structural, functional, and spatial information, amino acid conservation, physicochemical variation, residue mobility, and thermodynamic stability) performed at Invitae indicates that this missense variant is not expected to disrupt KCNT1 protein function. In summary, the available evidence is currently insufficient to determine the role of this variant in disease. Therefore, it has been classified as a Variant of Uncertain Significance.